The following is an entry in ClinVar:

NM_018406.7(MUC4):c.12014G>A (p.Ser4005Asn)

Gene: MUC4 (mucin 4, cell surface associated). Cytogenetic location: 3q29.
Variant type: single nucleotide variant.
Coding change: c.12014G>A on transcript NM_018406.7 (MANE Select); coding-DNA position 12014, G replaced by A.
Protein change: p.Ser4005Asn; replaces serine 4005 with asparagine.
Molecular consequence: missense variant. On other transcripts: genic upstream transcript variant (2).
Genome position (GRCh38, 1-based): chr3:195,779,566, C>T on the plus strand (G>A on the coding strand, the complement: MUC4 is on the minus strand). VCF-style: chr3-195779566-C-T. GRCh37 (hg19) VCF-style: chr3-195506437-C-T.
Other names: c.17312G>A, p.Ser5771Asn (NM_001322468.1); c.83-5261G>A (NM_138297.5); c.83-1111G>A (NM_004532.6); short protein forms S4005N, S5771N.
Identifiers: ClinVar variation 2654390 (VCV002654390.24), dbSNP rs369484841, ClinGen allele CA2769089.

ClinVar aggregate classification (germline): Likely benign (1 of 4 stars; one submission).

Allele frequency attached by ClinVar (database versions not stated): gnomAD exomes 0.00019; ExAC 0.00072; gnomAD 0.00128.
gnomAD v4.1: 332 of 1,254,190 alleles (0.026%); highest among the groups gnomAD compares: African/African-American, 0.55%; 15 homozygotes.

Submission:

CeGaT Center for Human Genetics Tuebingen
Classification: Likely benign. Last evaluated: 2026-07-01. Review status: criteria provided, single submitter. Criteria: CeGaT Center For Human Genetics Tuebingen Variant Classification Criteria Version 2. Collection method: clinical testing. Allele origin: germline. Affected: yes. Observed: 4 variant alleles.
Comment: MUC4: BS2